The following is an entry in ClinVar:

NM_018043.7(ANO1):c.2926G>T (p.Ala976Ser)

Gene: ANO1 (anoctamin 1; plus strand). Cytogenetic location: 11q13.3.
Variant type: single nucleotide variant.
Coding change: c.2926G>T on transcript NM_018043.7 (MANE Select); coding-DNA position 2926, G replaced by T.
Protein change: p.Ala976Ser; replaces alanine 976 with serine.
Molecular consequence: missense variant. On other transcripts: non-coding transcript variant (1).
Genome position (GRCh38, 1-based): chr11:70,187,969, G>T. VCF-style: chr11-70187969-G-T. GRCh37 (hg19) VCF-style: chr11-70034075-G-T.
Other names: c.3115G>T, p.Ala1039Ser (NM_001378092.1); c.2914G>T, p.Ala972Ser (NM_001378093.1, NM_001378094.2, NM_001378095.2); c.2836G>T, p.Ala946Ser (NM_001378096.2); c.2749G>T, p.Ala917Ser (NM_001378097.2); short protein forms A1039S, A917S, A946S, A972S, A976S.
Identifiers: ClinVar variation 3770492 (VCV003770492.13).

ClinVar aggregate classification (germline): Likely benign (1 of 4 stars; one submission).

gnomAD v4.1: 849 of 1,571,640 alleles (0.054%); highest among the groups gnomAD compares: Middle Eastern, 1.1%; 5 homozygotes.

Submission:

CeGaT Center for Human Genetics Tuebingen
Classification: Likely benign. Last evaluated: 2025-08-01. Review status: criteria provided, single submitter. Criteria: CeGaT Center For Human Genetics Tuebingen Variant Classification Criteria Version 2. Collection method: clinical testing. Allele origin: germline. Affected: yes. Observed: 2 variant alleles.
Comment: ANO1: BP4, BS2